The following is an entry in ClinVar:

ClinVar aggregate classification (germline): Likely benign. Review status: criteria provided, multiple submitters, no conflicts (2 of 4 stars). 2 submissions from 2 submitters: Likely benign (2). Last evaluated 2026-01-01.

gnomAD v4.1: 1,180 of 1,613,956 alleles (0.073%); highest among the groups gnomAD compares: African/African-American, 1.4%; 10 homozygotes.

Submissions (2):

CeGaT Center for Human Genetics Tuebingen
Classification: Likely benign. Last evaluated: 2026-01-01. Review status: criteria provided, single submitter. Criteria: CeGaT Center For Human Genetics Tuebingen Variant Classification Criteria Version 2. Collection method: clinical testing. Allele origin: germline. Affected: yes. Observed: 1 variant allele.
Comment: OXR1: BP4, BS1

Blueprint Genetics
Classification: Likely benign. Last evaluated: 2024-11-13. Review status: criteria provided, single submitter. Criteria: ACMG Guidelines, 2015. Collection method: clinical testing. Allele origin: germline.

NM_001198533.2(OXR1):c.1544A>G (p.Lys515Arg)

Gene: OXR1 (oxidation resistance 1; plus strand). Cytogenetic location: 8q23.1.
Variant type: single nucleotide variant.
Coding change: c.1544A>G on transcript NM_001198533.2 (MANE Select); coding-DNA position 1544, A replaced by G.
Protein change: p.Lys515Arg; replaces lysine 515 with arginine.
Molecular consequence: missense variant.
Genome position (GRCh38, 1-based): chr8:106,707,065, A>G. VCF-style: chr8-106707065-A-G. GRCh37 (hg19) VCF-style: chr8-107719293-A-G.
Other names: c.1547A>G, p.Lys516Arg (NM_001198532.1); c.1544A>G, p.Lys515Arg (NM_018002.3); c.1523A>G, p.Lys508Arg (NM_181354.4); short protein forms K508R, K515R, K516R.
Identifiers: ClinVar variation 4821272 (VCV004821272.5).